The following is an entry in ClinVar:

NM_024408.4(NOTCH2):c.1147C>G (p.Pro383Ala)

Gene: NOTCH2 (notch receptor 2; minus strand). Cytogenetic location: 1p12.
Variant type: single nucleotide variant.
Coding change: c.1147C>G on transcript NM_024408.4 (MANE Select); coding-DNA position 1147, C replaced by G.
Protein change: p.Pro383Ala; replaces proline 383 with alanine.
Molecular consequence: missense variant.
Genome position (GRCh38, 1-based): chr1:119,968,194, G>C on the plus strand (C>G on the coding strand, the complement: NOTCH2 is on the minus strand). VCF-style: chr1-119968194-G-C. GRCh37 (hg19) VCF-style: chr1-120510817-G-C.
Other names: c.1147C>G, p.Pro383Ala (NM_001200001.2); short protein forms P383A.
Identifiers: ClinVar variation 3664577 (VCV003664577.2).

ClinVar aggregate classification (germline): Uncertain significance (1 of 4 stars; one submission).

Conditions:
Hajdu-Cheney syndrome (HJCYS). Also called: ACROOSTEOLYSIS WITH OSTEOPOROSIS AND CHANGES IN SKULL AND MANDIBLE; SERPENTINE FIBULA-POLYCYSTIC KIDNEY SYNDROME; Acroosteolysis dominant type. Identifiers: Orphanet 955, MedGen C0917715, MONDO:0007057, OMIM 102500.

Submission:

Labcorp Genetics (formerly Invitae), Labcorp
Classification: Uncertain significance for Hajdu-Cheney syndrome. Last evaluated: 2024-10-02. Review status: criteria provided, single submitter. Criteria: Invitae Variant Classification Sherloc (09022015). Collection method: clinical testing. Allele origin: germline.
Comment: This sequence change replaces proline, which is neutral and non-polar, with alanine, which is neutral and non-polar, at codon 383 of the NOTCH2 protein (p.Pro383Ala). This variant is not present in population databases (gnomAD no frequency). This variant has not been reported in the literature in individuals affected with NOTCH2-related conditions. Invitae Evidence Modeling of protein sequence and biophysical properties (such as structural, functional, and spatial information, amino acid conservation, physicochemical variation, residue mobility, and thermodynamic stability) indicates that this missense variant is expected to disrupt NOTCH2 protein function with a positive predictive value of 95%. In summary, the available evidence is currently insufficient to determine the role of this variant in disease. Therefore, it has been classified as a Variant of Uncertain Significance.